The following is an entry in ClinVar:

NM_001354604.2(MITF):c.1330T>C (p.Cys444Arg)

Gene: MITF (melanocyte inducing transcription factor; plus strand). Cytogenetic location: 3p13.
Variant type: single nucleotide variant.
Coding change: c.1330T>C on transcript NM_001354604.2 (MANE Select); coding-DNA position 1330, T replaced by C.
Protein change: p.Cys444Arg; replaces cysteine 444 with arginine.
Molecular consequence: missense variant.
Genome position (GRCh38, 1-based): chr3:69,964,997, T>C. VCF-style: chr3-69964997-T-C. GRCh37 (hg19) VCF-style: chr3-70014148-T-C.
Other names: c.1309T>C, p.Cys437Arg (NM_001354606.2, NM_006722.3); c.1261T>C, p.Cys421Arg (NM_001354607.2); c.1156T>C, p.Cys386Arg (NM_001354608.2, NM_001184967.2); c.991T>C, p.Cys331Arg (NM_198158.3); c.1312T>C, p.Cys438Arg (NM_198159.3); c.1264T>C, p.Cys422Arg (NM_198177.3); c.823T>C, p.Cys275Arg (NM_198178.3); c.1009T>C, p.Cys337Arg (NM_000248.4); and 1 more; short protein forms C275R, C337R, C437R, C438R, C444R, C422R, C331R, C386R.
Identifiers: ClinVar variation 2951393 (VCV002951393.4), dbSNP rs777788246, ClinGen allele CA2490641.
Genomic context (GRCh38, chr3:69,964,997, plus strand): 5'-CAAGAACCCGTTCTTGAGAACTGCAGCCAAGACCTCCTTCAGCATCATGCAGACCTAACC[T>C]GTACAACAACTCTCGATCTCACGGATGGCACCATCACCTTCAACAACAACCTCGGAACTG-3'
Protein context (NP_001341533.1, residues 434-454): DLLQHHADLT[Cys444Arg]TTTLDLTDGT

ClinVar aggregate classification (germline): Uncertain significance. Review status: criteria provided, multiple submitters, no conflicts (2 of 4 stars). 2 submissions from 2 submitters: Uncertain significance (2). Last evaluated 2026-02-16.

Conditions:
Hereditary cancer-predisposing syndrome. Also called: Tumor predisposition; Neoplastic Syndromes, Hereditary; Hereditary Cancer Syndrome; Hereditary neoplastic syndrome. Identifiers: Orphanet 140162, MedGen C0027672, MeSH D009386, MONDO:0015356.
Melanoma, cutaneous malignant, susceptibility to, 8. Also called: Cutaneous malignant melanoma 8; MELANOMA AND RENAL CELL CARCINOMA, SUSCEPTIBILITY TO. Identifiers: Orphanet 293822, MedGen C3152204, MONDO:0013759, OMIM 614456.
Tietz syndrome (TADS). Also called: HYPOPIGMENTATION/DEAFNESS OF TIETZ; TIETZ ALBINISM-DEAFNESS SYNDROME; ALBINISM-DEAFNESS OF TIETZ. Identifiers: Orphanet 42665, MedGen C0391816, MONDO:0007077, OMIM 103500.
Waardenburg syndrome type 2A (WS2A). Also called: WAARDENBURG SYNDROME WITHOUT DYSTOPIA CANTHORUM. Identifiers: Orphanet 3440, MedGen C1860339, MONDO:0008671, OMIM 193510.

Allele frequency attached by ClinVar (database versions not stated): gnomAD exomes below 0.00001; ExAC 0.00001.
gnomAD v4.1: 2 of 1,614,112 alleles (0.00012%); highest among the groups gnomAD compares: South Asian, 0.0011%; no homozygotes.

Submissions (2):

Ambry Genetics
Classification: Uncertain significance for Hereditary cancer-predisposing syndrome. Last evaluated: 2026-02-16. Review status: criteria provided, single submitter. Criteria: Ambry Variant Classification Scheme 2023. Collection method: clinical testing. Allele origin: germline.
Comment: The p.C337R variant (also known as c.1009T>C), located in coding exon 9 of the MITF gene, results from a T to C substitution at nucleotide position 1009. The cysteine at codon 337 is replaced by arginine, an amino acid with highly dissimilar properties. This amino acid position is conserved. In addition, this alteration is predicted to be tolerated by in silico analysis. Based on the available evidence, the clinical significance of this variant remains unclear.

Labcorp Genetics (formerly Invitae), Labcorp
Classification: Uncertain significance for Melanoma, cutaneous malignant, susceptibility to, 8; Waardenburg syndrome type 2A; Tietz syndrome. Last evaluated: 2024-10-22. Review status: criteria provided, single submitter. Criteria: Invitae Variant Classification Sherloc (09022015). Collection method: clinical testing. Allele origin: germline.
Comment: This sequence change replaces cysteine, which is neutral and slightly polar, with arginine, which is basic and polar, at codon 337 of the MITF protein (p.Cys337Arg). This variant is present in population databases (rs777788246, gnomAD 0.003%). This variant has not been reported in the literature in individuals affected with MITF-related conditions. Invitae Evidence Modeling of protein sequence and biophysical properties (such as structural, functional, and spatial information, amino acid conservation, physicochemical variation, residue mobility, and thermodynamic stability) indicates that this missense variant is not expected to disrupt MITF protein function with a negative predictive value of 80%. In summary, the available evidence is currently insufficient to determine the role of this variant in disease. Therefore, it has been classified as a Variant of Uncertain Significance.